The following is an entry in ClinVar:

NM_002691.4(POLD1):c.-3G>C

Gene: POLD1 (DNA polymerase delta 1, catalytic subunit; plus strand). Cytogenetic location: 19q13.33.
Variant type: single nucleotide variant.
Coding change: c.-3G>C on transcript NM_002691.4 (MANE Select); 3 bases upstream of the start codon, G replaced by C.
Molecular consequence: 5 prime UTR variant. On other transcripts: non-coding transcript variant (1).
Genome position (GRCh38, 1-based): chr19:50,384,389, G>C. VCF-style: chr19-50384389-G-C. GRCh37 (hg19) VCF-style: chr19-50887646-G-C.
Other names: c.-6G>C (NM_001256849.1, NM_001438210.1); c.-3G>C (NM_001438211.1); c.-148G>C (NM_001438212.1); c.-129G>C (NM_001438213.1).
Identifiers: ClinVar variation 4862197 (VCV004862197.1).

ClinVar aggregate classification (germline): Uncertain significance (1 of 4 stars; one submission).

Conditions:
Hereditary cancer-predisposing syndrome. Also called: Neoplastic Syndromes, Hereditary; Tumor predisposition; Hereditary Cancer Syndrome; Hereditary neoplastic syndrome. Identifiers: Orphanet 140162, MedGen C0027672, MeSH D009386, MONDO:0015356.

Submission:

Ambry Genetics
Classification: Uncertain significance for Hereditary cancer-predisposing syndrome. Last evaluated: 2026-05-18. Review status: criteria provided, single submitter. Criteria: Ambry Variant Classification Scheme 2023. Collection method: clinical testing. Allele origin: germline.
Comment: The c.-3G>C variant is located in the 5' untranslated region (5&rsquo; UTR) of the POLD1 gene. This variant results from a G to C substitution 3 bases upstream from the first translated codon. This nucleotide position is well conserved in available vertebrate species. Based on the available evidence, the clinical significance of this variant remains unclear.